The following is an entry in ClinVar:

ClinVar aggregate classification (germline): Uncertain significance (1 of 4 stars; one submission).

Conditions:
Epileptic encephalopathy. Identifiers: MedGen C0543888, HP:0200134.

Allele frequency attached by ClinVar (database versions not stated): TOPMed below 0.00001; gnomAD 0.00001; gnomAD exomes 0.00001.
gnomAD v4.1: 9 of 1,594,796 alleles (0.00056%); highest among the groups gnomAD compares: South Asian, 0.0011%; no homozygotes.

Submission:

Labcorp Genetics (formerly Invitae), Labcorp
Classification: Uncertain significance for Epileptic encephalopathy. Last evaluated: 2022-07-25. Review status: criteria provided, single submitter. Criteria: Invitae Variant Classification Sherloc (09022015). Collection method: clinical testing. Allele origin: germline.
Comment: In summary, the available evidence is currently insufficient to determine the role of this variant in disease. Therefore, it has been classified as a Variant of Uncertain Significance. Algorithms developed to predict the effect of missense changes on protein structure and function are either unavailable or do not agree on the potential impact of this missense change (SIFT: "Tolerated"; PolyPhen-2: "Probably Damaging"; Align-GVGD: "Class C0"). ClinVar contains an entry for this variant (Variation ID: 836069). This variant has not been reported in the literature in individuals affected with FASN-related conditions. This variant is not present in population databases (gnomAD no frequency). This sequence change replaces glycine, which is neutral and non-polar, with serine, which is neutral and polar, at codon 294 of the FASN protein (p.Gly294Ser).

NM_004104.5(FASN):c.880G>A (p.Gly294Ser)

Gene: FASN (fatty acid synthase; minus strand). Cytogenetic location: 17q25.3.
Variant type: single nucleotide variant.
Coding change: c.880G>A on transcript NM_004104.5 (MANE Select); coding-DNA position 880, G replaced by A.
Protein change: p.Gly294Ser; replaces glycine 294 with serine.
Molecular consequence: missense variant.
Genome position (GRCh38, 1-based): chr17:82,092,711, C>T on the plus strand (G>A on the coding strand, the complement: FASN is on the minus strand). VCF-style: chr17-82092711-C-T. GRCh37 (hg19) VCF-style: chr17-80050587-C-T.
Other names: short protein forms G294S.
Identifiers: ClinVar variation 836069 (VCV000836069.9), dbSNP rs1436017797, ClinGen allele CA401562547.